The following is an entry in ClinVar:

ClinVar aggregate classification (germline): Uncertain significance (1 of 4 stars; one submission).

Submission:

GeneDx
Classification: Uncertain significance. Last evaluated: 2024-02-02. Review status: criteria provided, single submitter. Criteria: GeneDx Variant Classification Process June 2021. Collection method: clinical testing. Allele origin: germline. Affected: yes.
Comment: Not observed at significant frequency in large population cohorts (gnomAD); In silico analysis supports that this missense variant has a deleterious effect on protein structure/function; Has not been previously published as pathogenic or benign to our knowledge

NM_000051.4(ATM):c.3809C>T (p.Ser1270Phe)

Gene: ATM (ATM serine/threonine kinase; plus strand). Cytogenetic location: 11q22.3.
Variant type: single nucleotide variant.
Coding change: c.3809C>T on transcript NM_000051.4 (MANE Select); coding-DNA position 3809, C replaced by T.
Protein change: p.Ser1270Phe; replaces serine 1270 with phenylalanine.
Molecular consequence: missense variant.
Genome position (GRCh38, 1-based): chr11:108,284,289, C>T. VCF-style: chr11-108284289-C-T. GRCh37 (hg19) VCF-style: chr11-108155016-C-T.
Other names: c.3809C>T, p.Ser1270Phe (NM_001351834.2); short protein forms S1270F.
Identifiers: ClinVar variation 3368780 (VCV003368780.1).